The following is an entry in ClinVar:

ClinVar aggregate classification (germline): Benign. Review status: criteria provided, multiple submitters, no conflicts (2 of 4 stars). 2 submissions from 2 submitters: Benign (2). Last evaluated 2018-06-19.

Allele frequency attached by ClinVar (database versions not stated): 1000 Genomes Project 30x 0.04497; 1000 Genomes Project 0.04553; gnomAD 0.05513 and 0.05680; TOPMed 0.05693.
gnomAD v4.1: 8,682 of 152,184 alleles (5.7%); highest among the groups gnomAD compares: Middle Eastern, 13%; 336 homozygotes.

Submissions (2):

GeneDx
Classification: Benign. Last evaluated: 2018-06-19. Review status: criteria provided, single submitter. Criteria: GeneDx Variant Classification (06012015). Collection method: clinical testing. Allele origin: germline. Affected: yes.
Comment: This variant is considered likely benign or benign based on one or more of the following criteria: it is a conservative change, it occurs at a poorly conserved position in the protein, it is predicted to be benign by multiple in silico algorithms, and/or has population frequency not consistent with disease.

Breakthrough Genomics
Classification: Benign. Review status: criteria provided, single submitter. Criteria: ACMG Guidelines, 2015. Collection method: not provided. Allele origin: germline. Inheritance: Unknown mechanism. Affected: yes.

NM_006393.3(NEBL):c.1962+213T>C

Gene: NEBL (nebulette; minus strand). Cytogenetic location: 10p12.31.
Variant type: single nucleotide variant.
Coding change: c.1962+213T>C on transcript NM_006393.3 (MANE Select); 213 bases into the intron after coding-DNA position 1962, T replaced by C.
Molecular consequence: intron variant.
Genome position (GRCh38, 1-based): chr10:20,822,995, A>G on the plus strand (T>C on the coding strand, the complement: NEBL is on the minus strand). VCF-style: chr10-20822995-A-G. GRCh37 (hg19) VCF-style: chr10-21111924-A-G.
Other names: c.250-10055T>C (NM_001377326.1, NM_001377327.1, NM_001377328.1); c.358-10055T>C (NM_213569.2, NM_001173484.2, NM_001377322.1); c.301-10055T>C (NM_001377324.1); c.292-10055T>C (NM_001377325.1); c.310-10055T>C (NM_001377323.1).
Identifiers: ClinVar variation 673849 (VCV000673849.2), dbSNP rs75938474, ClinGen allele CA15659162.
Genomic context (GRCh38, chr10:20,822,995, plus strand): 5'-CACCCTCCTACCTTTTGGAGTCTCCAATGTCTATGATTCCACTCTGTATGTCTGAATAAT[A>G]TGTGTCTTTAATAAATAAATGCTGACACAAGGCATTAGGCTAGGTGTCATGGAGGGCATA-3'